The following is an entry in ClinVar:

ClinVar aggregate classification (germline): Benign. Review status: criteria provided, single submitter (1 of 4 stars). 2 submissions from 2 submitters: Benign (1). 1 of the submissions does not count toward it. Last evaluated 2018-02-25.

Conditions:
NCOA1-related disorder. Also called: NCOA1-related condition.

Allele frequency attached by ClinVar (database versions not stated): gnomAD exomes 0.00050 and 0.00146; ExAC 0.00173; gnomAD 0.00680 and 0.00632; 1000 Genomes Project 0.00739; 1000 Genomes Project 30x 0.00750; TOPMed 0.00734; ESP Exome Variant Server 0.00730.
gnomAD v4.1: 1,749 of 1,610,584 alleles (0.11%); highest among the groups gnomAD compares: African/African-American, 2%; 22 homozygotes.

Submissions (2):

Labcorp Genetics (formerly Invitae), Labcorp
Classification: Benign. Last evaluated: 2018-02-25. Review status: criteria provided, single submitter. Criteria: Invitae Variant Classification Sherloc (09022015). Collection method: clinical testing. Allele origin: germline.

PreventionGenetics, part of Exact Sciences
Classification: Benign for NCOA1-related condition. Last evaluated: 2019-09-13. Review status: no assertion criteria provided. Collection method: clinical testing. Allele origin: germline. Not counted in ClinVar's aggregate classification.
Comment: This variant is classified as benign based on ACMG/AMP sequence variant interpretation guidelines (Richards et al. 2015 PMID: 25741868, with internal and published modifications).

NM_003743.5(NCOA1):c.3202T>C (p.Leu1068=)

Gene: NCOA1 (nuclear receptor coactivator 1; plus strand). Cytogenetic location: 2p23.3.
Variant type: single nucleotide variant.
Coding change: c.3202T>C on transcript NM_003743.5 (MANE Select); coding-DNA position 3202, T replaced by C.
Protein change: p.Leu1068=; no amino-acid change (leucine 1068 retained).
Molecular consequence: synonymous variant.
Genome position (GRCh38, 1-based): chr2:24,739,432, T>C. VCF-style: chr2-24739432-T-C. GRCh37 (hg19) VCF-style: chr2-24962301-T-C.
Other names: c.3202T>C, p.Leu1068= (NM_001362950.1, NM_001362952.1, NM_001362954.1 and 3 more transcripts).
Identifiers: ClinVar variation 719897 (VCV000719897.5), dbSNP rs13430401, ClinGen allele CA1552602.